The following is an entry in ClinVar:

ClinVar aggregate classification (germline): Conflicting classifications of pathogenicity. Review status: criteria provided, conflicting classifications (1 of 4 stars). 7 submissions from 7 submitters: Likely pathogenic (1); Uncertain significance (5). 1 of the submissions does not count toward it. Last evaluated 2025-08-30.

Conditions:
Mitochondrial complex I deficiency, nuclear type 16. Also called: Mitochondrial complex 1 deficiency, nuclear type 16. Identifiers: MedGen C4748785, MONDO:0032621, OMIM 618238.
Mitochondrial complex I deficiency. Also called: NADH:Q(1) OXIDOREDUCTASE DEFICIENCY. Identifiers: Orphanet 2609, MedGen C1838979, MeSH C537475, MONDO:0100133.

Allele frequency attached by ClinVar (database versions not stated): gnomAD exomes below 0.00001.
gnomAD v4.1: 2 of 1,614,184 alleles (0.00012%); no homozygotes.

Submissions (7):

Natera, Inc.
Classification: Likely pathogenic for Mitochondrial complex I deficiency. Last evaluated: 2025-08-30. Review status: criteria provided, single submitter. Criteria: Natera Variant Classification Schema (03/2026). Collection method: clinical testing. Allele origin: germline.
Comment: The c.821T>A variant in NDUFAF5 is a missense variant predicted to cause substitution of leucine to glutamine at amino acid 274. This variant is rare in the general population with a frequency below the threshold expected for the associated phenotype(s). This variant has been observed in one or more individuals affected with the associated recessive disease, as either homozygous or compound heterozygous with a second variant (PMID: 37718619, 28454995). Additionally, this variant has been observed to segregate in affected family members (PMID: 37718619). Computational prediction algorithms indicate this variant is likely to affect gene or protein function. Given the available evidence, this variant is classified as Likely Pathogenic.

Genomic Medicine Center of Excellence, King Faisal Specialist Hospital and Research Centre
Classification: Uncertain significance for Mitochondrial complex I deficiency, nuclear type 16. Last evaluated: 2024-03-14. Review status: criteria provided, single submitter. Criteria: ACMG Guidelines, 2015. Collection method: clinical testing. Allele origin: germline.

Women's Health and Genetics/Laboratory Corporation of America, LabCorp
Classification: Uncertain significance. Last evaluated: 2023-01-24. Review status: criteria provided, single submitter. Criteria: LabCorp Variant Classification Summary - May 2015. Collection method: clinical testing. Allele origin: germline.
Comment: Variant summary: NDUFAF5 c.821T>A (p.Leu274Gln) results in a non-conservative amino acid change in the encoded protein sequence. Five of five in-silico tools predict a damaging effect of the variant on protein function. The variant allele was found at a frequency of 4e-06 in 251344 control chromosomes. c.821T>A has been reported in the literature as a homozygous genotype in at-least one individual affected with features of Mitochondrial complex 1 deficiency/Leigh Syndrome, however, the possibility of additional independent homozygous cases or cohort overlap with the primary report in subsequent citations cannot be ruled out (example, PMID: 28454995, 31130284, 34645488). These data indicate that the variant may be associated with disease. To our knowledge, no experimental evidence demonstrating an impact on protein function has been reported. Four clinical diagnostic laboratories have submitted clinical-significance assessments for this variant to ClinVar after 2014 without evidence for independent evaluation. Based on the evidence outlined above, the variant was classified as VUS-possibly pathogenic.

Fulgent Genetics
Classification: Uncertain significance for Mitochondrial complex I deficiency, nuclear type 16. Last evaluated: 2022-05-10. Review status: criteria provided, single submitter. Criteria: ACMG Guidelines, 2015. Collection method: clinical testing. Allele origin: unknown.

Baylor Genetics
Classification: Uncertain significance for Mitochondrial complex I deficiency, nuclear type 16. Last evaluated: 2019-09-24. Review status: criteria provided, single submitter. Criteria: ACMG Guidelines, 2015. Collection method: clinical testing. Allele origin: unknown. Affected: yes.
Comment: This variant was determined to be of uncertain significance according to ACMG Guidelines, 2015 [PMID:25741868].

GeneDx
Classification: Uncertain significance. Last evaluated: 2019-08-27. Review status: criteria provided, single submitter. Criteria: GeneDx Variant Classification Process June 2021. Collection method: clinical testing. Allele origin: germline. Affected: yes.
Comment: Not observed at a significant frequency in large population cohorts (Lek et al., 2016); In silico analysis, which includes protein predictors and evolutionary conservation, supports a deleterious effect; This variant is associated with the following publications: (PMID: 31130284, 28454995)

Biochemical Molecular Genetic Laboratory, King Abdulaziz Medical City
Classification: Likely pathogenic for Mitochondrial complex I deficiency, nuclear type 16. Last evaluated: 2019-09-26. Review status: no assertion criteria provided. Collection method: clinical testing. Allele origin: germline. Affected: yes. Not counted in ClinVar's aggregate classification.

Literature cited by the submitters: PubMed 37718619 (cited by Natera, Inc.); PubMed 28454995 (cited by Natera, Inc. and Women's Health and Genetics/Laboratory Corporation of America, LabCorp); PubMed 31130284 (cited by Women's Health and Genetics/Laboratory Corporation of America, LabCorp); PubMed 34645488 (cited by Women's Health and Genetics/Laboratory Corporation of America, LabCorp).

NM_024120.5(NDUFAF5):c.821T>A (p.Leu274Gln)

Gene: NDUFAF5 (NADH:ubiquinone oxidoreductase complex assembly factor 5; plus strand). Cytogenetic location: 20p12.1.
Variant type: single nucleotide variant.
Coding change: c.821T>A on transcript NM_024120.5 (MANE Select); coding-DNA position 821, T replaced by A.
Protein change: p.Leu274Gln; replaces leucine 274 with glutamine.
Molecular consequence: missense variant. On other transcripts: non-coding transcript variant (7).
Genome position (GRCh38, 1-based): chr20:13,816,505, T>A. VCF-style: chr20-13816505-T-A. GRCh37 (hg19) VCF-style: chr20-13797151-T-A.
Other names: c.737T>A, p.Leu246Gln (NM_001039375.3); c.350T>A, p.Leu117Gln (NM_001352403.2); c.260T>A, p.Leu87Gln (NM_001352406.2, NM_001352407.2); short protein forms L117Q, L87Q, L246Q, L274Q.
Identifiers: ClinVar variation 800896 (VCV000800896.10), dbSNP rs1040187200, ClinGen allele CA311399469.